The following is an entry in ClinVar:

NM_001083116.3(PRF1):c.673C>T (p.Arg225Trp)

Gene: PRF1 (perforin 1; minus strand). Cytogenetic location: 10q22.1.
Variant type: single nucleotide variant.
Coding change: c.673C>T on transcript NM_001083116.3 (MANE Select); coding-DNA position 673, C replaced by T.
Protein change: p.Arg225Trp; replaces arginine 225 with tryptophan.
Molecular consequence: missense variant.
Genome position (GRCh38, 1-based): chr10:70,599,048, G>A on the plus strand (C>T on the coding strand, the complement: PRF1 is on the minus strand). VCF-style: chr10-70599048-G-A. GRCh37 (hg19) VCF-style: chr10-72358804-G-A.
Other names: c.673C>T, p.Arg225Trp (NM_005041.6); c.673C>T (NM_005041.4); short protein forms R225W.
Identifiers: ClinVar variation 13711 (VCV000013711.25), dbSNP rs28933973, ClinGen allele CA256941.
Genomic context (GRCh38, chr10:70,599,048, plus strand): 5'-CCAGCTCGCAGGTGCGCAGGGCAGTGAGGGCCGATATGCGGCCACCCAGCTCCACAGCCC[G>A]GATGAAGTGGGTGCCGTAGTTGGAGATAAGCCTGAGGTAGGCGGGCTGGGTGGAGGCGTT-3'
Protein context (NP_001076585.1, residues 215-235): LISNYGTHFI[Arg225Trp]AVELGGRISA

ClinVar aggregate classification (germline): Pathogenic. Review status: criteria provided, multiple submitters, no conflicts (2 of 4 stars). 11 submissions from 10 submitters: Pathogenic (10). 1 of the submissions does not count toward it. Last evaluated 2025-10-31.

Conditions:
Autoinflammatory syndrome. Identifiers: Orphanet 93665, MedGen C3890737, MONDO:0019751.
Inborn genetic diseases. Identifiers: MedGen C0950123, MeSH D030342.
Familial hemophagocytic lymphohistiocytosis type 1. Also called: RETICULOSIS, FAMILIAL HISTIOCYTIC; ERYTHROPHAGOCYTIC LYMPHOHISTIOCYTOSIS, FAMILIAL; HEMOPHAGOCYTIC RETICULOSIS, FAMILIAL. Identifiers: Orphanet 540, MedGen C4551514, MONDO:0009974, OMIM 267700.
Familial hemophagocytic lymphohistiocytosis (FHL). Also called: Hereditary hemophagocytic lymphohistiocytosis; Familial erythrophagocytic lymphohistiocytosis; Familial histiocytic reticulosis. Identifiers: Orphanet 158038, Orphanet 540, MedGen C0272199, MONDO:0015541.
Familial hemophagocytic lymphohistiocytosis 2 (FHL2). Also called: PRF1-Related Familial Hemophagocytic Lymphohistiocytosis (PRF1-fHLH). Identifiers: Orphanet 540, MedGen C1863727, MONDO:0011337, OMIM 603553.
Aplastic anemia. Identifiers: Orphanet 182040, Orphanet 88, MedGen C0002874, MONDO:0015909, OMIM 609135, HP:0001915.

Allele frequency attached by ClinVar (database versions not stated): gnomAD exomes 0.00001; ExAC 0.00002.
gnomAD v4.1: 7 of 1,613,498 alleles (0.00043%); highest among the groups gnomAD compares: South Asian, 0.0022%; no homozygotes.

Submissions 1 to 8 of 11:

3billion
Classification: Pathogenic for Familial hemophagocytic lymphohistiocytosis 2. Last evaluated: 2025-10-31. Review status: criteria provided, single submitter. Criteria: ACMG Guidelines, 2015. Collection method: clinical testing. Allele origin: germline. Affected: yes.
Comment: The variant is observed at an extremely low frequency in the gnomAD v4.1.0 dataset (total allele frequency: <0.001%). Predicted Consequence/Location: Missense variant Damaging effect on gene or gene product predicted by in silico programs is uncertain [REVEL: 0.58 (damaging >=0.6, benign <0.4), 3Cnet: 0.36 (damaging >0.75, benign <0.1)]. The same nucleotide change resulting in the same amino acid change has been previously reported as pathogenic/likely pathogenic with strong evidence (ClinVar ID: VCV000013711 /PMID: 10583959 /3billion dataset). The variant has been observed in multiple (>3) similarly affected unrelated individuals (PMID: 23443029, 26184781, 26684649, 27271812). Different missense changes at the same codon (p.Arg225Gln, p.Arg225Pro) have been reported to be associated with PRF1-related disorder (PMID: 17674359, 29357941). Therefore, this variant is classified as Pathogenic according to the recommendation of ACMG/AMP guideline.

Labcorp Genetics (formerly Invitae), Labcorp
Classification: Pathogenic for Familial hemophagocytic lymphohistiocytosis 2. Last evaluated: 2025-01-13. Review status: criteria provided, single submitter. Criteria: Invitae Variant Classification Sherloc (09022015). Collection method: clinical testing. Allele origin: germline.
Comment: This sequence change replaces arginine, which is basic and polar, with tryptophan, which is neutral and slightly polar, at codon 225 of the PRF1 protein (p.Arg225Trp). This variant is present in population databases (rs28933973, gnomAD 0.006%). This missense change has been observed in individuals with familial hemophagocytic lymphohistiocytosis (PMID: 10583959, 11565555, 14757862, 27271812). ClinVar contains an entry for this variant (Variation ID: 13711). Invitae Evidence Modeling of protein sequence and biophysical properties (such as structural, functional, and spatial information, amino acid conservation, physicochemical variation, residue mobility, and thermodynamic stability) indicates that this missense variant is expected to disrupt PRF1 protein function with a positive predictive value of 95%. Experimental studies have shown that this missense change affects PRF1 function (PMID: 15365097). For these reasons, this variant has been classified as Pathogenic.

Baylor Genetics
Classification: Pathogenic for Aplastic anemia. Last evaluated: 2024-03-11. Review status: criteria provided, single submitter. Criteria: ACMG Guidelines, 2015. Collection method: clinical testing. Allele origin: unknown.

KCCC/NGS Laboratory, Kuwait Cancer Control Center
Classification: Pathogenic for Familial hemophagocytic lymphohistiocytosis 2. Last evaluated: 2023-07-07. Review status: criteria provided, single submitter. Criteria: ACMG Guidelines, 2015. Collection method: clinical testing. Allele origin: unknown. Affected: yes.
Comment: a substitution of Tryptophan for Arginine in codon 225. This variant’s frequency is reported as A=0.00002 (3/120924, ExAC) and A=0.00001 (3/244444, GnomAD). It is reported in ClinVar as pathogenic and not reported in LOVD. Homozygous or compound heterozygous pathogenic mutations in the PRF1 gene are known to cause Hemophagocytic lymphohistiocytosis (HLH, OMIM 603553). Heterozygous germline pathogenic mutations in the PRF1 gene maybe associated with increased risk of non-Hodgkin Lymphoma (OMIM 605027), Wiernik et al. (2000) and Altieri et al. (2005).

Neuberg Centre For Genomic Medicine, NCGM
Classification: Pathogenic for Familial hemophagocytic lymphohistiocytosis type 1. Last evaluated: 2023-06-22. Review status: criteria provided, single submitter. Criteria: ACMG Guidelines, 2015. Collection method: clinical testing. Allele origin: germline. Inheritance: Autosomal recessive inheritance. Affected: yes.
Comment: The observed missense variant c.673C>T p.Arg225Trp in the PRF1 gene has been reported in individuals with familial hemophagocytic lymphohistiocytosis Blincoe A, et al., 2020, Tesi B, et al., 2015. Experimental studies have shown that this missense change affects PRF1 function Voskoboinik I, et al., 2004. The variant is reported with 0.001% allele frequency in gnomAD Exomes. This variant has been reported to the ClinVar database as Pathogenic multiple submissions.The amino acid Arginine at position 225 is changed to a Tryptophan changing protein sequence and it might alter its composition and physico-chemical properties. Multiple lines of computational evidence Polyphen-probably damaging, SIFT-damaging and Mutation Taster-disease causing predict a damaging effect on protein structure and function for this variant. The reference amino acid p.Arg225Trp in PRF1 is predicted as conserved by GERP++ and PhyloP across 100 vertebrates. For these reasons, this variant has been classified as Pathogenic.

Women's Health and Genetics/Laboratory Corporation of America, LabCorp
Classification: Pathogenic for Familial hemophagocytic lymphohistiocytosis. Last evaluated: 2022-07-13. Review status: criteria provided, single submitter. Criteria: LabCorp Variant Classification Summary - May 2015. Collection method: clinical testing. Allele origin: germline.
Comment: Variant summary: PRF1 c.673C>T (p.Arg225Trp) results in a non-conservative amino acid change located in the membrane attack complex component/perforin (MACPF) domain (IPR020864) of the encoded protein sequence. Five of five in-silico tools predict a damaging effect of the variant on protein function. The variant allele was found at a frequency of 1.2e-05 in 249622 control chromosomes (gnomAD). c.673C>T has been reported in the literature in multiple homozygous and compound heterozygous individuals affected with Familial Hemophagocytic Lymphohistiocytosis (e.g. Stepp_1999, Clementi_2001, Molleran Lee_2004, Steinburg_2006, Trizzino_2008, Blincoe_2020). These data indicate that the variant is very likely to be associated with disease. Experimental studies have shown that the variant is associated with reduced or absent expression of the mature protein and severely impaired NK function (e.g. Stepp_1999, Voskoboinik_2004, Risma_2006). Three clinical diagnostic laboratories have submitted clinical-significance assessments for this variant to ClinVar after 2014 and all classified the variant as pathogenic. Based on the evidence outlined above, the variant was classified as pathogenic.

Ambry Genetics
Classification: Pathogenic for Inborn genetic diseases. Last evaluated: 2021-06-18. Review status: criteria provided, single submitter. Criteria: Ambry Variant Classification Scheme 2023. Collection method: clinical testing. Allele origin: germline.
Comment: The c.673C>T (p.R225W) alteration is located in exon 3 (coding exon 2) of the PRF1 gene. This alteration results from a C to T substitution at nucleotide position 673, causing the arginine (R) at amino acid position 225 to be replaced by a tryptophan (W). Based on data from the Genome Aggregation Database (gnomAD) database, the PRF1 c.673C>T alteration was observed in <0.01% (3/249622) of total alleles studied, with a frequency of 0.01% (1/18386) in the East Asian subpopulation. This alteration has been reported in the homozygous and compound heterozygous states in multiple unrelated patients with features of familial hemophagocytic lymphohistiocytosis (Stepp, 1999; Molleran Lee, 2004; Clementi, 2001; Trizzino, 2008; Dias, 2013; Tesi, 2015). This amino acid position is not well conserved in available vertebrate species. Cells from an affected patient showed nearly complete absence of perforin and greatly reduced cytolytic activity (Stepp, 1999; Feldmann, 2002). In addition, in vitro functional studies of the p.R225W alteration demonstrated abnormal protein function including loss of cytolytic activity, failure to traffic to rat basophil leukemia secretory granules, diminished perforin detection, and no apparent proteolytic maturation. In one study, immunohistochemistry analysis of transfected cells indicated mislocalization whereas another demonstrated punctate staining on immunohistochemistry similar to wildtype (Voskoboinik, 2004; Risma, 2006). The in silico prediction for the p.R225W alteration is inconclusive. Based on the available evidence, this alteration is classified as pathogenic.

Genome Diagnostics Laboratory, The Hospital for Sick Children
Classification: Pathogenic for Autoinflammatory syndrome. Last evaluated: 2018-02-01. Review status: criteria provided, single submitter. Criteria: ACMG Guidelines, 2015. Collection method: clinical testing. Allele origin: germline. Affected: yes.